The following is an entry in ClinVar:

ClinVar aggregate classification (germline): Uncertain significance (1 of 4 stars; one submission).

Conditions:
Severe early-onset pulmonary alveolar proteinosis due to MARS deficiency. Also called: PULMONARY ALVEOLAR PROTEINOSIS, REUNION ISLAND; Interstitial lung and liver disease. Identifiers: Orphanet 440427, MedGen C4225400, MONDO:0014206, OMIM 615486.
Charcot-Marie-Tooth disease axonal type 2U. Also called: CHARCOT-MARIE-TOOTH NEUROPATHY, TYPE 2U; CHARCOT-MARIE-TOOTH DISEASE, AXONAL, AUTOSOMAL DOMINANT, TYPE 2U. Identifiers: Orphanet 397735, MedGen C4084821, MONDO:0014566, OMIM 616280.

Submission:

Labcorp Genetics (formerly Invitae), Labcorp
Classification: Uncertain significance for Charcot-Marie-Tooth disease axonal type 2U; Severe early-onset pulmonary alveolar proteinosis due to MARS deficiency. Last evaluated: 2026-01-27. Review status: criteria provided, single submitter. Criteria: Invitae Variant Classification Sherloc (09022015). Collection method: clinical testing. Allele origin: germline.
Comment: This sequence change replaces glycine, which is neutral and non-polar, with arginine, which is basic and polar, at codon 194 of the MARS protein (p.Gly194Arg). This variant is not present in population databases (gnomAD no frequency). This variant has not been reported in the literature in individuals affected with MARS-related conditions. An algorithm developed to predict the effect of missense changes on protein structure and function (PolyPhen-2) suggests that this variant is likely to be disruptive. In summary, the available evidence is currently insufficient to determine the role of this variant in disease. Therefore, it has been classified as a Variant of Uncertain Significance.

NM_004990.4(MARS1):c.580G>C (p.Gly194Arg)

Gene: MARS1 (methionyl-tRNA synthetase 1; plus strand). Cytogenetic location: 12q13.3.
Variant type: single nucleotide variant.
Coding change: c.580G>C on transcript NM_004990.4 (MANE Select); coding-DNA position 580, G replaced by C.
Protein change: p.Gly194Arg; replaces glycine 194 with arginine.
Molecular consequence: missense variant.
Genome position (GRCh38, 1-based): chr12:57,490,296, G>C. VCF-style: chr12-57490296-G-C. GRCh37 (hg19) VCF-style: chr12-57884079-G-C.
Other names: short protein forms G194R.
Identifiers: ClinVar variation 4787381 (VCV004787381.1).
Genomic context (GRCh38, chr12:57,490,296, plus strand): 5'-CAGACACTGAGTACCCAGGAACCATGTCAGCGAGCTGCAGAGACTGTACTGAAACAGCAA[G>C]GTGTCCTGGCTCTCCGGCCTTACCTCCAAAAGCAGCCCCAGCCCAGCCCCGCTGAGGGAA-3'
Protein context (NP_004981.2, residues 184-204): RAAETVLKQQ[Gly194Arg]VLALRPYLQK